The following is an entry in ClinVar:

NM_001004334.4(GPR179):c.6340G>T (p.Val2114Leu)

Gene: GPR179 (G protein-coupled receptor 179; minus strand). Cytogenetic location: 17q12.
Variant type: single nucleotide variant.
Coding change: c.6340G>T on transcript NM_001004334.4 (MANE Select); coding-DNA position 6340, G replaced by T.
Protein change: p.Val2114Leu; replaces valine 2114 with leucine.
Molecular consequence: missense variant.
Genome position (GRCh38, 1-based): chr17:38,327,229, C>A on the plus strand (G>T on the coding strand, the complement: GPR179 is on the minus strand). VCF-style: chr17-38327229-C-A. GRCh37 (hg19) VCF-style: chr17-36483112-C-A.
Other names: c.6340G>T (NM_001004334.2); short protein forms V2114L.
Identifiers: ClinVar variation 2000686 (VCV002000686.5), dbSNP rs370179227, ClinGen allele CA398869651.

ClinVar aggregate classification (germline): Uncertain significance. Review status: criteria provided, multiple submitters, no conflicts (2 of 4 stars). 2 submissions from 2 submitters: Uncertain significance (2). Last evaluated 2025-05-17.

Conditions:
Inborn genetic diseases. Identifiers: MedGen C0950123, MeSH D030342.

Submissions (2):

Ambry Genetics
Classification: Uncertain significance for Inborn genetic diseases. Last evaluated: 2025-05-17. Review status: criteria provided, single submitter. Criteria: Ambry Variant Classification Scheme 2023. Collection method: clinical testing. Allele origin: germline.

Labcorp Genetics (formerly Invitae), Labcorp
Classification: Uncertain significance. Last evaluated: 2022-06-02. Review status: criteria provided, single submitter. Criteria: Invitae Variant Classification Sherloc (09022015). Collection method: clinical testing. Allele origin: germline.
Comment: In summary, the available evidence is currently insufficient to determine the role of this variant in disease. Therefore, it has been classified as a Variant of Uncertain Significance. Algorithms developed to predict the effect of missense changes on protein structure and function (SIFT, PolyPhen-2, Align-GVGD) all suggest that this variant is likely to be tolerated. This variant has not been reported in the literature in individuals affected with GPR179-related conditions. This variant is not present in population databases (gnomAD no frequency). This sequence change replaces valine, which is neutral and non-polar, with leucine, which is neutral and non-polar, at codon 2114 of the GPR179 protein (p.Val2114Leu).